The following is an entry in ClinVar:

NM_014975.3(MAST1):c.1568T>C (p.Leu523Pro)

Gene: MAST1 (microtubule associated serine/threonine kinase 1; plus strand). Cytogenetic location: 19p13.13.
Variant type: single nucleotide variant.
Coding change: c.1568T>C on transcript NM_014975.3 (MANE Select); coding-DNA position 1568, T replaced by C.
Protein change: p.Leu523Pro; replaces leucine 523 with proline.
Molecular consequence: missense variant.
Genome position (GRCh38, 1-based): chr19:12,865,108, T>C. VCF-style: chr19-12865108-T-C. GRCh37 (hg19) VCF-style: chr19-12975922-T-C.
Other names: short protein forms L523P.
Identifiers: ClinVar variation 1698956 (VCV001698956.3), dbSNP rs2145907069, ClinGen allele CA404272090.
Genomic context (GRCh38, chr19:12,865,108, plus strand): 5'-TCCTTATCACCTCCATGGGTCACATCAAGCTCACAGATTTCGGCCTCTCCAAGATGGGGC[T>C]CATGAGCCTCACCACCAACTTATATGAAGGCCACATCGAGAAGGACGCCCGAGAGTTCCT-3'
Protein context (NP_055790.1, residues 513-533): LTDFGLSKMG[Leu523Pro]MSLTTNLYEG

ClinVar aggregate classification (germline): Pathogenic (1 of 4 stars; one submission).

Conditions:
Mega-corpus-callosum syndrome with cerebellar hypoplasia and cortical malformations. Identifiers: MedGen C4748927, MONDO:0032648, OMIM 618273.

Submission:

Victorian Clinical Genetics Services, Murdoch Childrens Research Institute
Classification: Pathogenic for Mega-corpus-callosum syndrome with cerebellar hypoplasia and cortical malformations. Last evaluated: 2022-02-02. Review status: criteria provided, single submitter. Criteria: ACMG Guidelines, 2015. Collection method: clinical testing. Allele origin: germline. Inheritance: Autosomal dominant inheritance.
Comment: Based on the classification scheme VCGS_Germline_v1.3.4, this variant is classified as pathogenic. Following criteria are met: 0105 - The mechanism of disease for this gene is not clearly established. However, gain of function and dominant negative have been reported (PMIDs: 30449657, 32198973). (I) 0107 - This gene is associated with autosomal dominant disease. (I) 0200 - Variant is predicted to result in a missense amino acid change from leucine to proline. (I) 0251 - This variant is heterozygous. (I) 0301 - Variant is absent from gnomAD (both v2 and v3). (SP) 0502 - Missense variant with conflicting in silico predictions and high conservation. (I) 0603 - Missense variant in a region that is highly intolerant to missense variation. This variant is located in the activation loop within the kinase domain (PMID: 32198973), where missense variants are rare in gnomAD. (SP) 0705 - No comparable missense variants have previous evidence for pathogenicity. (I) 0807 - This variant has no previous evidence of pathogenicity. (I) 0905 - No published segregation evidence has been identified for this variant. (I) 1007 - No published functional evidence has been identified for this variant. (SP) Legend: (SP) - Supporting pathogenic, (I) - Information, (SB) - Supporting benign

Literature cited by the submitters: PubMed 30449657; PubMed 32198973.